The following is an entry in ClinVar:

NM_198407.2(GHSR):c.195G>A (p.Met65Ile)

Gene: GHSR (growth hormone secretagogue receptor; minus strand). Cytogenetic location: 3q26.31.
Variant type: single nucleotide variant.
Coding change: c.195G>A on transcript NM_198407.2 (MANE Select); coding-DNA position 195, G replaced by A.
Protein change: p.Met65Ile; replaces methionine 65 with isoleucine.
Molecular consequence: missense variant.
Genome position (GRCh38, 1-based): chr3:172,448,219, C>T on the plus strand (G>A on the coding strand, the complement: GHSR is on the minus strand). VCF-style: chr3-172448219-C-T. GRCh37 (hg19) VCF-style: chr3-172166009-C-T.
Other names: c.195G>A, p.Met65Ile (NM_004122.2); short protein forms M65I.
Identifiers: ClinVar variation 3613329 (VCV003613329.2).

ClinVar aggregate classification (germline): Uncertain significance (1 of 4 stars; one submission).

Submission:

Labcorp Genetics (formerly Invitae), Labcorp
Classification: Uncertain significance. Last evaluated: 2025-10-08. Review status: criteria provided, single submitter. Criteria: Invitae Variant Classification Sherloc (09022015). Collection method: clinical testing. Allele origin: germline.
Comment: This sequence change replaces methionine, which is neutral and non-polar, with isoleucine, which is neutral and non-polar, at codon 65 of the GHSR protein (p.Met65Ile). This variant is not present in population databases (gnomAD no frequency). This variant has not been reported in the literature in individuals affected with GHSR-related conditions. ClinVar contains an entry for this variant (Variation ID: 3613329). Invitae Evidence Modeling of protein sequence and biophysical properties (such as structural, functional, and spatial information, amino acid conservation, physicochemical variation, residue mobility, and thermodynamic stability) indicates that this missense variant is not expected to disrupt GHSR protein function with a negative predictive value of 80%. In summary, the available evidence is currently insufficient to determine the role of this variant in disease. Therefore, it has been classified as a Variant of Uncertain Significance.